The following is an entry in ClinVar:

NM_015443.4(KANSL1):c.1864A>T (p.Thr622Ser)

Gene: KANSL1 (KAT8 regulatory NSL complex subunit 1). Cytogenetic location: 17q21.31.
Variant type: single nucleotide variant.
Coding change: c.1864A>T on transcript NM_015443.4 (MANE Select); coding-DNA position 1864, A replaced by T.
Protein change: p.Thr622Ser; replaces threonine 622 with serine.
Molecular consequence: missense variant.
Genome position (GRCh38, 1-based): chr17:46,050,689, T>A on the plus strand (A>T on the coding strand, the complement: KANSL1 is on the minus strand). VCF-style: chr17-46050689-T-A. GRCh37 (hg19) VCF-style: chr17-44128055-T-A.
Other names: c.1864A>T, p.Thr622Ser (NM_001193465.2, NM_001193466.2, NM_001379198.1); short protein forms T622S.
Identifiers: ClinVar variation 1021151 (VCV001021151.8), dbSNP rs567178302, ClinGen allele CA399984207.

ClinVar aggregate classification (germline): Uncertain significance (1 of 4 stars; one submission).

Conditions:
Koolen-de Vries syndrome (KDVS). Identifiers: Orphanet 96169, MedGen C1864871, MONDO:0012496, OMIM 610443.

Submission:

Labcorp Genetics (formerly Invitae), Labcorp
Classification: Uncertain significance for Koolen-de Vries syndrome. Last evaluated: 2022-10-13. Review status: criteria provided, single submitter. Criteria: Invitae Variant Classification Sherloc (09022015). Collection method: clinical testing. Allele origin: germline.
Comment: ClinVar contains an entry for this variant (Variation ID: 1021151). In summary, the available evidence is currently insufficient to determine the role of this variant in disease. Therefore, it has been classified as a Variant of Uncertain Significance. Advanced modeling of protein sequence and biophysical properties (such as structural, functional, and spatial information, amino acid conservation, physicochemical variation, residue mobility, and thermodynamic stability) performed at Invitae indicates that this missense variant is not expected to disrupt KANSL1 protein function. This variant has not been reported in the literature in individuals affected with KANSL1-related conditions. This variant is not present in population databases (gnomAD no frequency). This sequence change replaces threonine, which is neutral and polar, with serine, which is neutral and polar, at codon 622 of the KANSL1 protein (p.Thr622Ser).